The following is an entry in ClinVar:

NM_000038.6(APC):c.1111G>T (p.Gly371Ter)

Gene: APC (APC regulator of Wnt signaling pathway; plus strand). Cytogenetic location: 5q22.2.
Variant type: single nucleotide variant.
Coding change: c.1111G>T on transcript NM_000038.6 (MANE Select); coding-DNA position 1111, G replaced by T.
Protein change: p.Gly371Ter; replaces glycine 371 with a stop codon.
Molecular consequence: nonsense. On other transcripts: intron variant (4).
Genome position (GRCh38, 1-based): chr5:112,819,143, G>T. VCF-style: chr5-112819143-G-T. GRCh37 (hg19) VCF-style: chr5-112154840-G-T.
Other names: c.1111G>T, p.Gly371Ter (NM_001127510.3, NM_001354895.2, NM_001354896.2); c.1057G>T, p.Gly353Ter (NM_001127511.3); c.1141G>T, p.Gly381Ter (NM_001354897.2); c.1036G>T, p.Gly346Ter (NM_001354898.2); c.1027G>T, p.Gly343Ter (NM_001354899.2); c.934G>T, p.Gly312Ter (NM_001354900.2, NM_001354901.2); c.262G>T, p.Gly88Ter (NM_001354906.2); c.964-126G>T (NM_001354902.2); and 3 more; short protein forms G353*, G371*, G312*, G343*, G346*, G88*, G381*.
Identifiers: ClinVar variation 571193 (VCV000571193.12), dbSNP rs863224535, ClinGen allele CA16023747.

ClinVar aggregate classification (germline): Pathogenic (1 of 4 stars; one submission).

Conditions:
Familial adenomatous polyposis 1 (FAP1). Also called: POLYPOSIS, ADENOMATOUS INTESTINAL; FAMILIAL ADENOMATOUS POLYPOSIS 1, ATTENUATED. Identifiers: MedGen C2713442, MONDO:0021056, OMIM 175100. Disease mechanism: loss of function.

Submission:

Labcorp Genetics (formerly Invitae), Labcorp
Classification: Pathogenic for Familial adenomatous polyposis 1. Last evaluated: 2024-05-23. Review status: criteria provided, single submitter. Criteria: Invitae Variant Classification Sherloc (09022015). Collection method: clinical testing. Allele origin: germline.
Comment: This sequence change creates a premature translational stop signal (p.Gly371*) in the APC gene. It is expected to result in an absent or disrupted protein product. Loss-of-function variants in APC are known to be pathogenic (PMID: 17963004, 20685668). This variant is not present in population databases (gnomAD no frequency). This premature translational stop signal has been observed in individual(s) with attenuated familial adenomatous polyposis (PMID: 17411426). ClinVar contains an entry for this variant (Variation ID: 571193). For these reasons, this variant has been classified as Pathogenic.

Literature cited by the submitters: PubMed 17963004; PubMed 20685668; PubMed 17411426.